The following is an entry in ClinVar:

ClinVar aggregate classification (germline): Uncertain significance. Review status: criteria provided, single submitter (1 of 4 stars). 2 submissions from 2 submitters: Uncertain significance (1). 1 of the submissions does not count toward it. Last evaluated 2021-10-04.

Conditions:
Charcot-Marie-Tooth disease. Also called: Charcot-Marie-Tooth Hereditary Neuropathy; Charcot-Marie-Tooth Neuropathy. Identifiers: Orphanet 166, MedGen C0007959, MONDO:0015626.
Charcot-Marie-Tooth disease type 4. Also called: Charcot-Marie-Tooth, Type 4; Charcot-Marie-Tooth disease, type IV. Identifiers: Orphanet 64749, MedGen C4082197, MONDO:0018995.

Allele frequency attached by ClinVar (database versions not stated): gnomAD exomes below 0.00001 and 0.00001; ExAC 0.00001; gnomAD 0.00001; TOPMed 0.00001; ESP Exome Variant Server 0.00008.
gnomAD v4.1: 5 of 1,614,128 alleles (0.00031%); highest among the groups gnomAD compares: Non-Finnish European, 0.00042%; no homozygotes.

Submissions (2):

Labcorp Genetics (formerly Invitae), Labcorp
Classification: Uncertain significance for Charcot-Marie-Tooth disease type 4. Last evaluated: 2021-10-04. Review status: criteria provided, single submitter. Criteria: Invitae Variant Classification Sherloc (09022015). Collection method: clinical testing. Allele origin: germline.
Comment: In summary, the available evidence is currently insufficient to determine the role of this variant in disease. Therefore, it has been classified as a Variant of Uncertain Significance. Advanced modeling of protein sequence and biophysical properties (such as structural, functional, and spatial information, amino acid conservation, physicochemical variation, residue mobility, and thermodynamic stability) performed at Invitae indicates that this missense variant is not expected to disrupt SH3TC2 protein function. ClinVar contains an entry for this variant (Variation ID: 637413). This missense change has been observed in individual(s) with hereditary motor and sensory neuropathy. (PMID: 21291453). This variant is present in population databases (rs368872316, ExAC 0.001%). This sequence change replaces threonine with isoleucine at codon 199 of the SH3TC2 protein (p.Thr199Ile). The threonine residue is highly conserved and there is a moderate physicochemical difference between threonine and isoleucine.

Inherited Neuropathy Consortium
Classification: Uncertain significance for Charcot-Marie-Tooth disease. Review status: no assertion criteria provided. Collection method: literature only. Allele origin: germline. Affected: yes. Not counted in ClinVar's aggregate classification.

Literature cited by the submitters: PubMed 21291453 (cited by Labcorp Genetics (formerly Invitae), Labcorp and Inherited Neuropathy Consortium).

NM_024577.4(SH3TC2):c.596C>T (p.Thr199Ile)

Gene: SH3TC2 (SH3 domain and tetratricopeptide repeats 2; minus strand). Cytogenetic location: 5q32.
Variant type: single nucleotide variant.
Coding change: c.596C>T on transcript NM_024577.4 (MANE Select); coding-DNA position 596, C replaced by T.
Protein change: p.Thr199Ile; replaces threonine 199 with isoleucine.
Molecular consequence: missense variant.
Genome position (GRCh38, 1-based): chr5:149,041,551, G>A on the plus strand (C>T on the coding strand, the complement: SH3TC2 is on the minus strand). VCF-style: chr5-149041551-G-A. GRCh37 (hg19) VCF-style: chr5-148421114-G-A.
Other names: short protein forms T199I.
Identifiers: ClinVar variation 637413 (VCV000637413.4), dbSNP rs368872316, ClinGen allele CA3499451.
Genomic context (GRCh38, chr5:149,041,551, plus strand): 5'-CCTTCCAACTCGGAGCCAGCTTCTGCCATCTTCACTGAGATTAACTCATTCTTGCAAAGT[G>A]TCAAGCATTCCCCTTCCTTCTCGGCTGGTGGAGTCACGGAGCACAGGGCTCTGCAGAAGA-3'
Protein context (NP_078853.2, residues 189-209): PPAEKEGECL[Thr199Ile]LCKNELISVK